The following is an entry in ClinVar:

ClinVar aggregate classification (germline): Pathogenic (1 of 4 stars; one submission).

Submission:

Labcorp Genetics (formerly Invitae), Labcorp
Classification: Pathogenic. Last evaluated: 2023-07-02. Review status: criteria provided, single submitter. Criteria: Invitae Variant Classification Sherloc (09022015). Collection method: clinical testing. Allele origin: unknown.
Comment: This variant is a gross deletion of the genomic region encompassing exon(s) 7-8 of the RARS2 gene. This deletion is out-of-frame, and is expected to create a premature termination codon and result in an absent or disrupted protein product. Loss-of-function variants in RARS2 are known to be pathogenic (PMID: 17847012, 22569581, 26083569). This variant has not been reported in the literature in individuals affected with RARS2-related conditions. For these reasons, this variant has been classified as Pathogenic.

Literature cited by the submitters: PubMed 17847012; PubMed 22569581; PubMed 26083569.

NC_000006.11:g.(?_88251616)_(88255437_?)del

Gene: RARS2 (arginyl-tRNA synthetase 2, mitochondrial; minus strand). Cytogenetic location: 6q15.
Variant type: Deletion.
Identifiers: ClinVar variation 3246231 (VCV003246231.1).